The following is an entry in ClinVar:

NM_022039.4(FBXW4):c.991A>G (p.Ile331Val)

Gene: FBXW4 (F-box and WD repeat domain containing 4; minus strand). Cytogenetic location: 10q24.32.
Variant type: single nucleotide variant.
Coding change: c.991A>G on transcript NM_022039.4 (MANE Select); coding-DNA position 991, A replaced by G.
Protein change: p.Ile331Val; replaces isoleucine 331 with valine.
Molecular consequence: missense variant. On other transcripts: non-coding transcript variant (1).
Genome position (GRCh38, 1-based): chr10:101,673,504, T>C on the plus strand (A>G on the coding strand, the complement: FBXW4 is on the minus strand). VCF-style: chr10-101673504-T-C. GRCh37 (hg19) VCF-style: chr10-103433261-T-C.
Other names: c.265A>G, p.Ile89Val (NM_001323541.2); short protein forms I331V, I89V.
Identifiers: ClinVar variation 2255843 (VCV002255843.3), dbSNP rs765396299, ClinGen allele CA5657392.

ClinVar aggregate classification (germline): Uncertain significance. Review status: criteria provided, multiple submitters, no conflicts (2 of 4 stars). 2 submissions from 2 submitters: Uncertain significance (2). Last evaluated 2025-10-06.

Allele frequency attached by ClinVar (database versions not stated): gnomAD exomes below 0.00001; ExAC 0.00001; gnomAD 0.00001; TOPMed 0.00001.
gnomAD v4.1: 7 of 1,613,762 alleles (0.00043%); highest among the groups gnomAD compares: Non-Finnish European, 0.00059%; no homozygotes.

Submissions (2):

Labcorp Genetics (formerly Invitae), Labcorp
Classification: Uncertain significance. Last evaluated: 2025-10-06. Review status: criteria provided, single submitter. Criteria: Invitae Variant Classification Sherloc (09022015). Collection method: clinical testing. Allele origin: germline.
Comment: This sequence change replaces isoleucine, which is neutral and non-polar, with valine, which is neutral and non-polar, at codon 176 of the FBXW4 protein (p.Ile176Val). This variant is present in population databases (rs765396299, gnomAD 0.0009%). This variant has not been reported in the literature in individuals affected with FBXW4-related conditions. ClinVar contains an entry for this variant (Variation ID: 2255843). An algorithm developed to predict the effect of missense changes on protein structure and function outputs the following: PolyPhen-2: "Benign". The valine amino acid residue is found in multiple mammalian species, which suggests that this missense change does not adversely affect protein function. In summary, the available evidence is currently insufficient to determine the role of this variant in disease. Therefore, it has been classified as a Variant of Uncertain Significance.

Ambry Genetics
Classification: Uncertain significance. Last evaluated: 2021-10-20. Review status: criteria provided, single submitter. Criteria: Ambry Variant Classification Scheme 2023. Collection method: clinical testing. Allele origin: germline.